The following is an entry in ClinVar:

ClinVar aggregate classification (germline): Uncertain significance (1 of 4 stars; one submission).

Conditions:
Congenital muscular dystrophy due to integrin alpha-7 deficiency. Also called: MYOPATHY, CONGENITAL, DUE TO INTEGRIN ALPHA-7 DEFICIENCY; Congenital muscular dystrophy with integrin alpha-7 deficiency; Muscular dystrophy, congenital, due to ITGA7 deficiency. Identifiers: Orphanet 34520, MedGen C2750786, MONDO:0013177, OMIM 613204.

gnomAD v4.1: 1 of 1,614,116 alleles (0.000062%); highest among the groups gnomAD compares: Non-Finnish European, 0.000085%; no homozygotes.

Submission:

Labcorp Genetics (formerly Invitae), Labcorp
Classification: Uncertain significance for Congenital muscular dystrophy due to integrin alpha-7 deficiency. Last evaluated: 2022-09-01. Review status: criteria provided, single submitter. Criteria: Invitae Variant Classification Sherloc (09022015). Collection method: clinical testing. Allele origin: germline.
Comment: In summary, the available evidence is currently insufficient to determine the role of this variant in disease. Therefore, it has been classified as a Variant of Uncertain Significance. Algorithms developed to predict the effect of missense changes on protein structure and function are either unavailable or do not agree on the potential impact of this missense change (SIFT: "Deleterious"; PolyPhen-2: "Probably Damaging"; Align-GVGD: "Class C0"). This variant has not been reported in the literature in individuals affected with ITGA7-related conditions. This variant is not present in population databases (gnomAD no frequency). This sequence change replaces proline, which is neutral and non-polar, with alanine, which is neutral and non-polar, at codon 455 of the ITGA7 protein (p.Pro455Ala).

NM_002206.3(ITGA7):c.1363C>G (p.Pro455Ala)

Gene: ITGA7 (integrin subunit alpha 7; minus strand). Cytogenetic location: 12q13.2.
Variant type: single nucleotide variant.
Coding change: c.1363C>G on transcript NM_002206.3 (MANE Select); coding-DNA position 1363, C replaced by G.
Protein change: p.Pro455Ala; replaces proline 455 with alanine.
Molecular consequence: missense variant.
Genome position (GRCh38, 1-based): chr12:55,697,741, G>C on the plus strand (C>G on the coding strand, the complement: ITGA7 is on the minus strand). VCF-style: chr12-55697741-G-C. GRCh37 (hg19) VCF-style: chr12-56091525-G-C.
Other names: c.1375C>G, p.Pro459Ala (NM_001144996.2, NM_001414029.1); c.1084C>G, p.Pro362Ala (NM_001144997.2); c.1036C>G, p.Pro346Ala (NM_001367993.1); c.19C>G, p.Pro7Ala (NM_001367994.1); c.1363C>G, p.Pro455Ala (NM_001374465.1, NM_001414034.1); c.1495C>G, p.Pro499Ala (NM_001410977.1); c.1288C>G, p.Pro430Ala (NM_001414030.1); c.1276C>G, p.Pro426Ala (NM_001414031.1); and 3 more; short protein forms P459A, P394A, P499A, P342A, P430A, P455A, P7A, P346A.
Identifiers: ClinVar variation 2056950 (VCV002056950.4), dbSNP rs2539790414, ClinGen allele CA385189595.
Genomic context (GRCh38, chr12:55,697,741, plus strand): 5'-TGAGAGGGGCTCACCTGAAGAGCACTGCGGTGTCAGCCAGGGAGCCCACCAGCAGGTCAG[G>C]GTATTGGTTCCCATCCATATCCAAGCTGCCTGACAGGGAGTAGCCGAAGCTCTTGATGCC-3'
Protein context (NP_002197.2, residues 445-465): GSLDMDGNQY[Pro455Ala]DLLVGSLADT